The following is an entry in ClinVar:

NM_001103.4(ACTN2):c.2484C>T (p.Ala828=)

Gene: ACTN2 (actinin alpha 2; plus strand). Cytogenetic location: 1q43.
Variant type: single nucleotide variant.
Coding change: c.2484C>T on transcript NM_001103.4 (MANE Select); coding-DNA position 2484, C replaced by T.
Protein change: p.Ala828=; no amino-acid change (alanine 828 retained).
Molecular consequence: synonymous variant.
Genome position (GRCh38, 1-based): chr1:236,761,131, C>T. VCF-style: chr1-236761131-C-T. GRCh37 (hg19) VCF-style: chr1-236924431-C-T.
Other names: c.2484C>T, p.Ala828= (NM_001278343.2); c.1860C>T, p.Ala620= (NM_001278344.2).
Identifiers: ClinVar variation 43930 (VCV000043930.16), dbSNP rs397516576, ClinGen allele CA133184.

ClinVar aggregate classification (germline): Likely benign. Review status: criteria provided, multiple submitters, no conflicts (2 of 4 stars). 5 submissions from 5 submitters: Likely benign (5). Last evaluated 2025-12-22.

Conditions:
Cardiovascular phenotype. Identifiers: MedGen CN230736.
Dilated cardiomyopathy 1AA (CMD1AA). Also called: CARDIOMYOPATHY, DILATED, 1AA, WITH OR WITHOUT LEFT VENTRICULAR NONCOMPACTION; CARDIOMYOPATHY, FAMILIAL HYPERTROPHIC, 23, WITH OR WITHOUT LEFT VENTRICULAR NONCOMPACTION; Cardiomyopathy, dilated, 1AA, with or without LVNC. Identifiers: Orphanet 154, MedGen C2677338, MONDO:0012808, OMIM 612158.
Primary familial hypertrophic cardiomyopathy (HCM). Identifiers: Orphanet 99739, MedGen C0949658, MeSH D024741, MONDO:0024573. Inheritance: Various modes of inheritance.

Allele frequency attached by ClinVar (database versions not stated): TOPMed below 0.00001; gnomAD 0.00001.
gnomAD v4.1: 12 of 1,614,046 alleles (0.00074%); highest among the groups gnomAD compares: African/African-American, 0.004%; no homozygotes.

Submissions (5):

Labcorp Genetics (formerly Invitae), Labcorp
Classification: Likely benign for Primary familial hypertrophic cardiomyopathy; Dilated cardiomyopathy 1AA. Last evaluated: 2025-12-22. Review status: criteria provided, single submitter. Criteria: Invitae Variant Classification Sherloc (09022015). Collection method: clinical testing. Allele origin: germline.

Ambry Genetics
Classification: Likely benign for Cardiovascular phenotype. Last evaluated: 2025-05-02. Review status: criteria provided, single submitter. Criteria: Ambry Variant Classification Scheme 2023. Collection method: clinical testing. Allele origin: germline.

GeneDx
Classification: Likely benign. Last evaluated: 2021-02-08. Review status: criteria provided, single submitter. Criteria: GeneDx Variant Classification Process June 2021. Collection method: clinical testing. Allele origin: germline. Affected: yes.

Blueprint Genetics
Classification: Likely benign. Last evaluated: 2019-03-08. Review status: criteria provided, single submitter. Criteria: ACMG Guidelines, 2015. Collection method: clinical testing. Allele origin: germline.

Laboratory for Molecular Medicine, Mass General Brigham Personalized Medicine
Classification: Likely benign. Last evaluated: 2012-10-31. Review status: criteria provided, single submitter. Criteria: LMM Criteria. Collection method: clinical testing. Allele origin: germline. Observed: 1 variant allele.
Comment: Ala828Ala in exon 20 of ACTN2: This variant is not expected to have clinical sig nificance because it does not alter an amino acid residue and is not located wit hin the splice consensus sequence. Ala828Ala in exon 20 of ACTN2 (allele freque ncy = n/a)